The following is an entry in ClinVar:

NM_170707.4(LMNA):c.356+1G>C

Gene: LMNA (lamin A/C; plus strand). Cytogenetic location: 1q22.
Variant type: single nucleotide variant.
Coding change: c.356+1G>C on transcript NM_170707.4 (MANE Select); the canonical splice donor site of the intron after coding-DNA position 356, G replaced by C.
Molecular consequence: splice donor variant. On other transcripts: intron variant (2).
Genome position (GRCh38, 1-based): chr1:156,115,275, G>C. VCF-style: chr1-156115275-G-C. GRCh37 (hg19) VCF-style: chr1-156085066-G-C.
Other names: c.356+1G>C (NM_001406983.1, NM_001282625.2, NM_001406984.1 and 6 more transcripts); c.-46+1G>C (NM_001407002.1, NM_001406995.1, NM_001406990.1); c.-203+8452G>C (NM_001406993.1, NM_001407003.1); c.-489+1G>C (NM_001406999.1); c.-68+1G>C (NM_001406986.1); c.-309+1G>C (NM_001407000.1, NM_001406994.1); c.-152+1G>C (NM_001407001.1).
Identifiers: ClinVar variation 228271 (VCV000228271.9), dbSNP rs794728589, ClinGen allele CA10576364.

ClinVar aggregate classification (germline): Pathogenic/Likely pathogenic. Review status: criteria provided, multiple submitters, no conflicts (2 of 4 stars). 3 submissions from 3 submitters: Pathogenic (2); Likely pathogenic (1). Last evaluated 2024-05-19.

Conditions:
Primary dilated cardiomyopathy (DCM). Also called: Dilated Cardiomyopathy. Identifiers: Orphanet 217604, MedGen C0007193, MeSH D002311, MONDO:0005021, HP:0001644. Inheritance: Various modes of inheritance.
LMNA-related disorder. Also called: LMNA-related condition; LMNA-related disease; LMNA-related disorders. Identifiers: MedGen CN380145.

Allele frequency attached by ClinVar (database versions not stated): TOPMed below 0.00001; gnomAD 0.00001.
gnomAD v4.1: 1 of 1,602,476 alleles (0.000062%); highest among the groups gnomAD compares: Non-Finnish European, 0.000085%; no homozygotes.

Submissions (3):

Blueprint Genetics
Classification: Pathogenic for LMNA-related disorders. Last evaluated: 2024-05-19. Review status: criteria provided, single submitter. Criteria: ACMG Guidelines, 2015. Collection method: clinical testing. Allele origin: germline. Affected: yes. Observed: 1 variant allele.

Eurofins Ntd Llc (ga)
Classification: Pathogenic. Last evaluated: 2016-11-09. Review status: criteria provided, single submitter. Criteria: EGL Classification Definitions 2015. Collection method: clinical testing. Allele origin: germline. Observed: 1 variant allele, 1 heterozygote.

Laboratory for Molecular Medicine, Mass General Brigham Personalized Medicine
Classification: Likely pathogenic for Primary dilated cardiomyopathy. Last evaluated: 2015-11-02. Review status: criteria provided, single submitter. Criteria: LMM Criteria. Collection method: clinical testing. Allele origin: germline. Observed: 1 variant allele.
Comment: The c.356+1G>C variant in LMNA has been reported in 1 individual with an unspeci fied laminopathy (van Rijsingen 2013) and was absent from large population studi es. Another variant altering this splice position has also been reported in an i ndividual with DCM and AV block (c.356+1G>T; Narula 2012). This variant occurs i n the invariant region (+/- 1,2) of the splice consensus sequence and is predict ed to cause altered splicing leading to an abnormal or absent protein. Heterozyg ous loss of LMNA function is strongly associated with DCM with or without conduc tion system disease and/or skeletal myopathy. In summary, although additional st udies are required to fully establish its clinical significance, the c.356+1G>C variant is likely pathogenic.

Literature cited by the submitters: PubMed 23183350 (cited by Eurofins Ntd Llc (ga) and Laboratory for Molecular Medicine, Mass General Brigham Personalized Medicine); PubMed 23062543 (cited by Laboratory for Molecular Medicine, Mass General Brigham Personalized Medicine).